The following is an entry in ClinVar:

NM_024652.6(LRRK1):c.3592A>G (p.Ile1198Val)

Genes: LRRK1 (leucine rich repeat kinase 1; plus strand), LRRK1-AS1 (LRRK1 antisense RNA 1; minus strand). Cytogenetic location: 15q26.3.
Variant type: single nucleotide variant.
Coding change: c.3592A>G on transcript NM_024652.6 (MANE Select); coding-DNA position 3592, A replaced by G.
Protein change: p.Ile1198Val; replaces isoleucine 1198 with valine.
Molecular consequence: missense variant.
Genome position (GRCh38, 1-based): chr15:101,051,863, A>G. VCF-style: chr15-101051863-A-G. GRCh37 (hg19) VCF-style: chr15-101592068-A-G.
Other names: short protein forms I1198V.
Identifiers: ClinVar variation 1510250 (VCV001510250.6), dbSNP rs1050305838, ClinGen allele CA275614989.
Genomic context (GRCh38, chr15:101,051,863, plus strand): 5'-CCCAGTGAGAAATCAGAGGATGTGCAGTACTTCGACATGGAAGACTGTGTCCTGACGGCC[A>G]TCGAGCGGGACTTCATCTCCTGCCCCAGACACCCGGACCTCCCCGTGCCGCTGCAGGAGC-3'
Protein context (NP_078928.3, residues 1188-1208): FDMEDCVLTA[Ile1198Val]ERDFISCPRH

ClinVar aggregate classification (germline): Uncertain significance (1 of 4 stars; one submission).

Allele frequency attached by ClinVar (database versions not stated): gnomAD exomes below 0.00001 and 0.00001; gnomAD 0.00002; TOPMed 0.00002.
gnomAD v4.1: 19 of 1,613,994 alleles (0.0012%); highest among the groups gnomAD compares: Non-Finnish European, 0.0015%; no homozygotes.

Submission:

Labcorp Genetics (formerly Invitae), Labcorp
Classification: Uncertain significance. Last evaluated: 2025-07-07. Review status: criteria provided, single submitter. Criteria: Invitae Variant Classification Sherloc (09022015). Collection method: clinical testing. Allele origin: germline.
Comment: This sequence change replaces isoleucine, which is neutral and non-polar, with valine, which is neutral and non-polar, at codon 1198 of the LRRK1 protein (p.Ile1198Val). This variant is present in population databases (no rsID available, gnomAD 0.002%). This variant has not been reported in the literature in individuals affected with LRRK1-related conditions. ClinVar contains an entry for this variant (Variation ID: 1510250). An algorithm developed to predict the effect of missense changes on protein structure and function (PolyPhen-2) suggests that this variant is likely to be tolerated. In summary, the available evidence is currently insufficient to determine the role of this variant in disease. Therefore, it has been classified as a Variant of Uncertain Significance.